The following is an entry in ClinVar:

ClinVar aggregate classification (germline): Uncertain significance (1 of 4 stars; one submission).

Conditions:
Leigh syndrome (NULS). Also called: Leigh's necrotizing encephalopathy; Leigh's disease; Leigh Syndrome (mtDNA deletion); Leigh Disease; Subacute necrotizing encephalopathy; Necrotizing encephalopathy infantile subacute of Leigh. Identifiers: Orphanet 506, MedGen C2931891, MONDO:0009723, OMIM 256000.

Submission:

Wong Mito Lab, Molecular and Human Genetics, Baylor College of Medicine
Classification: Uncertain significance for Leigh syndrome. Last evaluated: 2019-10-17. Review status: criteria provided, single submitter. Criteria: Modified ACMG Guidelines (Unpublished). Collection method: clinical testing. Allele origin: germline.
Comment: The NC_012920.1:m.9194A>G (YP_003024031.1:p.His223Arg) variant in MTATP6 gene is interpretated to be a Uncertain Significance variant based on the modified ACMG guidelines (unpublished). This variant meets the following evidence codes: PP4

NC_012920.1(MT-ATP6):m.9194A>G

Gene: MT-ATP6 (mitochondrially encoded ATP synthase 6; plus strand).
Variant type: single nucleotide variant.
Genome position: chrM-9194-A-G.
Identifiers: ClinVar variation 693121 (VCV000693121.1), dbSNP rs1603222162, ClinGen allele CA414802396.
Genomic context (GRCh38, chrMT:9,194, plus strand): 5'-AAATCGCTGTCGCCTTAATCCAAGCCTACGTTTTCACACTTCTAGTAAGCCTCTACCTGC[A>G]CGACAACACATAATGACCCACCAATCACATGCCTATCATATAGTAAAACCCAGCCCATGA-3'